The following is an entry in ClinVar:

NM_001365480.1(CCDC88A):c.946C>T (p.Arg316Ter)

Gene: CCDC88A (coiled-coil and HOOK domain protein 88A; minus strand). Cytogenetic location: 2p16.1.
Variant type: single nucleotide variant.
Coding change: c.946C>T on transcript NM_001365480.1 (MANE Select); coding-DNA position 946, C replaced by T.
Protein change: p.Arg316Ter; replaces arginine 316 with a stop codon.
Molecular consequence: nonsense.
Genome position (GRCh38, 1-based): chr2:55,346,270, G>A on the plus strand (C>T on the coding strand, the complement: CCDC88A is on the minus strand). VCF-style: chr2-55346270-G-A. GRCh37 (hg19) VCF-style: chr2-55573406-G-A.
Other names: c.946C>T, p.Arg316Ter (NM_001135597.2, NM_001254943.2, NM_018084.5); short protein forms R316*.
Identifiers: ClinVar variation 1454116 (VCV001454116.6), dbSNP rs2104730145, ClinGen allele CA346907086.

ClinVar aggregate classification (germline): Pathogenic (1 of 4 stars; one submission).

Submission:

Labcorp Genetics (formerly Invitae), Labcorp
Classification: Pathogenic. Last evaluated: 2022-11-15. Review status: criteria provided, single submitter. Criteria: Invitae Variant Classification Sherloc (09022015). Collection method: clinical testing. Allele origin: germline.
Comment: This variant is not present in population databases (gnomAD no frequency). This sequence change creates a premature translational stop signal (p.Arg316*) in the CCDC88A gene. It is expected to result in an absent or disrupted protein product. Loss-of-function variants in CCDC88A are known to be pathogenic (PMID: 26917597, 30392057). For these reasons, this variant has been classified as Pathogenic. ClinVar contains an entry for this variant (Variation ID: 1454116). This variant has not been reported in the literature in individuals affected with CCDC88A-related conditions.

Literature cited by the submitters: PubMed 26917597; PubMed 30392057.